The following is an entry in ClinVar:

ClinVar aggregate classification (germline): Uncertain significance. Review status: criteria provided, multiple submitters, no conflicts (2 of 4 stars). 2 submissions from 2 submitters: Uncertain significance (2). Last evaluated 2025-07-30.

gnomAD v4.1: 6 of 1,613,226 alleles (0.00037%); highest among the groups gnomAD compares: Admixed American, 0.0083%; no homozygotes.

Submissions (2):

Labcorp Genetics (formerly Invitae), Labcorp
Classification: Uncertain significance. Last evaluated: 2025-07-30. Review status: criteria provided, single submitter. Criteria: Invitae Variant Classification Sherloc (09022015). Collection method: clinical testing. Allele origin: germline.
Comment: This sequence change replaces proline, which is neutral and non-polar, with arginine, which is basic and polar, at codon 787 of the MICAL1 protein (p.Pro787Arg). This variant is present in population databases (no rsID available, gnomAD 0.009%). This variant has not been reported in the literature in individuals affected with MICAL1-related conditions. ClinVar contains an entry for this variant (Variation ID: 2915968). An algorithm developed to predict the effect of missense changes on protein structure and function (PolyPhen-2) suggests that this variant is likely to be tolerated. In summary, the available evidence is currently insufficient to determine the role of this variant in disease. Therefore, it has been classified as a Variant of Uncertain Significance.

Ambry Genetics
Classification: Uncertain significance. Last evaluated: 2025-05-01. Review status: criteria provided, single submitter. Criteria: Ambry Variant Classification Scheme 2023. Collection method: clinical testing. Allele origin: germline.

NM_022765.4(MICAL1):c.2303C>G (p.Pro768Arg)

Gene: MICAL1 (microtubule associated monooxygenase, calponin and LIM domain containing 1; minus strand). Cytogenetic location: 6q21.
Variant type: single nucleotide variant.
Coding change: c.2303C>G on transcript NM_022765.4 (MANE Select); coding-DNA position 2303, C replaced by G.
Protein change: p.Pro768Arg; replaces proline 768 with arginine.
Molecular consequence: missense variant.
Genome position (GRCh38, 1-based): chr6:109,446,697, G>C on the plus strand (C>G on the coding strand, the complement: MICAL1 is on the minus strand). VCF-style: chr6-109446697-G-C. GRCh37 (hg19) VCF-style: chr6-109767900-G-C.
Other names: c.2045C>G, p.Pro682Arg (NM_001159291.2); c.2360C>G, p.Pro787Arg (NM_001286613.2); c.2303C>G (NM_022765.3); short protein forms P787R, P682R, P768R.
Identifiers: ClinVar variation 2915968 (VCV002915968.4), dbSNP rs770312041, ClinGen allele CA145118677.